The following is an entry in ClinVar:

NM_001099274.3(TINF2):c.880G>A (p.Gly294Ser)

Gene: TINF2 (TERF1 interacting nuclear factor 2; minus strand). Cytogenetic location: 14q12.
Variant type: single nucleotide variant.
Coding change: c.880G>A on transcript NM_001099274.3 (MANE Select); coding-DNA position 880, G replaced by A.
Protein change: p.Gly294Ser; replaces glycine 294 with serine.
Molecular consequence: missense variant.
Genome position (GRCh38, 1-based): chr14:24,240,600, C>T on the plus strand (G>A on the coding strand, the complement: TINF2 is on the minus strand). VCF-style: chr14-24240600-C-T. GRCh37 (hg19) VCF-style: chr14-24709806-C-T.
Other names: c.775G>A, p.Gly259Ser (NM_001363668.2); c.880G>A, p.Gly294Ser (NM_012461.3); short protein forms G294S, G259S.
Identifiers: ClinVar variation 1981214 (VCV001981214.4), dbSNP rs1363732790, ClinGen allele CA389225195.
Genomic context (GRCh38, chr14:24,240,600, plus strand): 5'-CTGTGTATATCGCATGTTCTTCCTTGCTCTCAGGCTTAGATATGACCTGGGTTGGTGAGC[C>T]GAGATTCCTAAAGGGAAACAGCATGACTGTGGGGCGCTCCTTATGGCCTCCCCTAGTGGA-3'
Protein context (NP_001092744.1, residues 284-304): TVMLFPFRNL[Gly294Ser]SPTQVISKPE

ClinVar aggregate classification (germline): Uncertain significance (1 of 4 stars; one submission).

Conditions:
Dyskeratosis congenita. Identifiers: Orphanet 1775, MedGen C0265965, MONDO:0015780.

Allele frequency attached by ClinVar (database versions not stated): gnomAD exomes 0.00001; TOPMed 0.00001; gnomAD 0.00002.
gnomAD v4.1: 15 of 1,614,028 alleles (0.00093%); highest among the groups gnomAD compares: African/African-American, 0.0027%; no homozygotes.

Submission:

Labcorp Genetics (formerly Invitae), Labcorp
Classification: Uncertain significance for Dyskeratosis congenita. Last evaluated: 2025-05-13. Review status: criteria provided, single submitter. Criteria: Invitae Variant Classification Sherloc (09022015). Collection method: clinical testing. Allele origin: germline.
Comment: This sequence change replaces glycine, which is neutral and non-polar, with serine, which is neutral and polar, at codon 294 of the TINF2 protein (p.Gly294Ser). This variant is present in population databases (no rsID available, gnomAD 0.01%). This variant has not been reported in the literature in individuals affected with TINF2-related conditions. ClinVar contains an entry for this variant (Variation ID: 1981214). An algorithm developed to predict the effect of missense changes on protein structure and function (PolyPhen-2) suggests that this variant is likely to be tolerated. In summary, the available evidence is currently insufficient to determine the role of this variant in disease. Therefore, it has been classified as a Variant of Uncertain Significance.